The following is an entry in ClinVar:

ClinVar aggregate classification (germline): Uncertain significance. Review status: criteria provided, multiple submitters, no conflicts (2 of 4 stars). 2 submissions from 2 submitters: Uncertain significance (2). Last evaluated 2024-03-18.

Conditions:
Dilated cardiomyopathy 1DD (CMD1DD). Identifiers: Orphanet 154, MedGen C2750995, MONDO:0013168, OMIM 613172.
Cardiovascular phenotype. Identifiers: MedGen CN230736.

Allele frequency attached by ClinVar (database versions not stated): gnomAD 0.00001; TOPMed 0.00001.
gnomAD v4.1: 2 of 1,551,436 alleles (0.00013%); highest among the groups gnomAD compares: African/African-American, 0.0027%; no homozygotes.

Submissions (2):

Labcorp Genetics (formerly Invitae), Labcorp
Classification: Uncertain significance for Dilated cardiomyopathy 1DD. Last evaluated: 2024-03-18. Review status: criteria provided, single submitter. Criteria: Invitae Variant Classification Sherloc (09022015). Collection method: clinical testing. Allele origin: germline.
Comment: This sequence change replaces isoleucine, which is neutral and non-polar, with asparagine, which is neutral and polar, at codon 1090 of the RBM20 protein (p.Ile1090Asn). This variant is not present in population databases (gnomAD no frequency). This variant has not been reported in the literature in individuals affected with RBM20-related conditions. ClinVar contains an entry for this variant (Variation ID: 1729592). Advanced modeling of protein sequence and biophysical properties (such as structural, functional, and spatial information, amino acid conservation, physicochemical variation, residue mobility, and thermodynamic stability) performed at Invitae indicates that this missense variant is not expected to disrupt RBM20 protein function with a negative predictive value of 95%. In summary, the available evidence is currently insufficient to determine the role of this variant in disease. Therefore, it has been classified as a Variant of Uncertain Significance.

Ambry Genetics
Classification: Uncertain significance for Cardiovascular phenotype. Last evaluated: 2019-09-24. Review status: criteria provided, single submitter. Criteria: Ambry Variant Classification Scheme 2023. Collection method: clinical testing. Allele origin: germline.
Comment: The p.I1090N variant (also known as c.3269T>A), located in coding exon 11 of the RBM20 gene, results from a T to A substitution at nucleotide position 3269. The isoleucine at codon 1090 is replaced by asparagine, an amino acid with dissimilar properties. This amino acid position is poorly conserved in available vertebrate species. In addition, this alteration is predicted to be tolerated by in silico analysis. Since supporting evidence is limited at this time, the clinical significance of this alteration remains unclear.

NM_001134363.3(RBM20):c.3269T>A (p.Ile1090Asn)

Gene: RBM20 (RNA binding motif protein 20; plus strand). Cytogenetic location: 10q25.2.
Variant type: single nucleotide variant.
Coding change: c.3269T>A on transcript NM_001134363.3 (MANE Select); coding-DNA position 3269, T replaced by A.
Protein change: p.Ile1090Asn; replaces isoleucine 1090 with asparagine.
Molecular consequence: missense variant.
Genome position (GRCh38, 1-based): chr10:110,821,888, T>A. VCF-style: chr10-110821888-T-A. GRCh37 (hg19) VCF-style: chr10-112581646-T-A.
Other names: short protein forms I1090N.
Identifiers: ClinVar variation 1729592 (VCV001729592.4), dbSNP rs1316833587, ClinGen allele CA378382378.